The following is an entry in ClinVar:

NM_001267550.2(TTN):c.4228G>C (p.Val1410Leu)

Genes: TTN (titin; minus strand), LOC101927055 (uncharacterized LOC101927055; plus strand). Cytogenetic location: 2q31.2.
Variant type: single nucleotide variant.
Coding change: c.4228G>C on transcript NM_001267550.2 (MANE Select); coding-DNA position 4228, G replaced by C.
Protein change: p.Val1410Leu; replaces valine 1410 with leucine.
Molecular consequence: missense variant. On other transcripts: non-coding transcript variant (1).
Genome position (GRCh38, 1-based): chr2:178,777,956, C>G on the plus strand (G>C on the coding strand, the complement: TTN is on the minus strand). VCF-style: chr2-178777956-C-G. GRCh37 (hg19) VCF-style: chr2-179642683-C-G.
Other names: c.4090G>C, p.Val1364Leu (NM_133432.3, NM_133437.4, NM_003319.4); c.4228G>C, p.Val1410Leu (NM_001256850.1, NM_133378.4, NM_133379.5); c.4228G>C (NM_001267550.1); short protein forms V1410L, V1364L.
Identifiers: ClinVar variation 404738 (VCV000404738.7), dbSNP rs576593161, ClinGen allele CA2005356.

ClinVar aggregate classification (germline): Uncertain significance. Review status: criteria provided, multiple submitters, no conflicts (2 of 4 stars). 5 submissions from 5 submitters: Uncertain significance (5). Last evaluated 2026-04-17.

Conditions:
TTN-related disorder. Also called: TTN-related disorders; TTN-related condition; TTN-related disease.
Autosomal recessive limb-girdle muscular dystrophy type 2J (LGMDR10). Also called: Limb-girdle muscular dystrophy, type 2J; MUSCULAR DYSTROPHY, LIMB-GIRDLE, AUTOSOMAL RECESSIVE 10. Identifiers: Orphanet 140922, MedGen C1837342, MONDO:0012127, OMIM 608807.
Dilated cardiomyopathy 1G (CMD1G). Identifiers: Orphanet 154, MedGen C1858763, MONDO:0011400, OMIM 604145.
Cardiovascular phenotype. Identifiers: MedGen CN230736.
Early-onset myopathy with fatal cardiomyopathy (CMYO5). Also called: Salih Myopathy; CONGENITAL MYOPATHY 5 WITH CARDIOMYOPATHY. Identifiers: Orphanet 289377, MedGen C2673677, MONDO:0012714, OMIM 611705. Disease mechanism: loss of function.
Hypertrophic cardiomyopathy 9. Also called: Familial hypertrophic cardiomyopathy 9. Identifiers: MedGen C1861065, MONDO:0013412, OMIM 613765.
Myopathy, myofibrillar, 9, with early respiratory failure (MFM9). Also called: Hereditary myopathy with early respiratory failure; MYOPATHY, PROXIMAL, WITH EARLY RESPIRATORY MUSCLE INVOLVEMENT; EDSTROM MYOPATHY; Myopathy, distal, with early respiratory failure, autosomal dominant. Identifiers: Orphanet 178464, Orphanet 34521, MedGen C1863599, MONDO:0011362, OMIM 603689.
Tibial muscular dystrophy (TMD). Also called: UDD MYOPATHY; Tibial muscular dystrophy, tardive; Udd Distal Myopathy – Tibial Muscular Dystrophy. Identifiers: Orphanet 609, MedGen C1838244, MONDO:0010870, OMIM 600334.

Allele frequency attached by ClinVar (database versions not stated): gnomAD exomes 0.00003; ExAC 0.00005; gnomAD 0.00010; TOPMed 0.00012; 1000 Genomes Project 0.00020; 1000 Genomes Project 30x 0.00031.
gnomAD v4.1: 31 of 1,613,886 alleles (0.0019%); highest among the groups gnomAD compares: African/African-American, 0.027%; no homozygotes.

Submissions (5):

PreventionGenetics, part of Exact Sciences
Classification: Uncertain significance for TTN-related condition. Last evaluated: 2026-04-17. Review status: criteria provided, single submitter. Criteria: ACMG Guidelines, 2015. Collection method: clinical testing. Allele origin: germline.
Comment: The TTN c.4228G>C variant is predicted to result in the amino acid substitution p.Val1410Leu. To our knowledge, this variant has not been reported in the literature. This variant is reported in 0.036% of alleles in individuals of African descent in gnomAD. At this time, the clinical significance of this variant is uncertain due to the absence of conclusive functional and genetic evidence.

Fulgent Genetics
Classification: Uncertain significance for Tibial muscular dystrophy; Myopathy, myofibrillar, 9, with early respiratory failure; Dilated cardiomyopathy 1G; Autosomal recessive limb-girdle muscular dystrophy type 2J; Early-onset myopathy with fatal cardiomyopathy; Hypertrophic cardiomyopathy 9. Last evaluated: 2021-10-17. Review status: criteria provided, single submitter. Criteria: ACMG Guidelines, 2015. Collection method: clinical testing. Allele origin: unknown.

Athena Diagnostics
Classification: Uncertain significance. Last evaluated: 2021-07-29. Review status: criteria provided, single submitter. Criteria: Athena Diagnostics Criteria. Collection method: clinical testing. Allele origin: unknown.

Ambry Genetics
Classification: Uncertain significance for Cardiovascular phenotype. Last evaluated: 2018-11-29. Review status: criteria provided, single submitter. Criteria: Ambry Variant Classification Scheme 2023. Collection method: clinical testing. Allele origin: germline.
Comment: The p.V1364L variant (also known as c.4090G>C), located in coding exon 23 of the TTN gene, results from a G to C substitution at nucleotide position 4090. The valine at codon 1364 is replaced by leucine, an amino acid with highly similar properties. This amino acid position is not well conserved in available vertebrate species, and leucine is the reference amino acid in other vertebrate species. In addition, this alteration is predicted to be tolerated by in silico analysis. Since supporting evidence is limited at this time, the clinical significance of this alteration remains unclear.

Labcorp Genetics (formerly Invitae), Labcorp
Classification: Uncertain significance for Dilated cardiomyopathy 1G; Autosomal recessive limb-girdle muscular dystrophy type 2J. Last evaluated: 2016-12-14. Review status: criteria provided, single submitter. Criteria: Invitae Variant Classification Sherloc (09022015). Collection method: clinical testing. Allele origin: germline.